The following is an entry in ClinVar:

NM_000400.4(ERCC2):c.1187C>G (p.Pro396Arg)

Gene: ERCC2 (ERCC excision repair 2, TFIIH core complex helicase subunit; minus strand). Cytogenetic location: 19q13.32.
Variant type: single nucleotide variant.
Coding change: c.1187C>G on transcript NM_000400.4 (MANE Select); coding-DNA position 1187, C replaced by G.
Protein change: p.Pro396Arg; replaces proline 396 with arginine.
Molecular consequence: missense variant.
Genome position (GRCh38, 1-based): chr19:45,361,574, G>C on the plus strand (C>G on the coding strand, the complement: ERCC2 is on the minus strand). VCF-style: chr19-45361574-G-C. GRCh37 (hg19) VCF-style: chr19-45864832-G-C.
Other names: c.1115C>G, p.Pro372Arg (NM_001130867.2); short protein forms P396R, P372R.
Identifiers: ClinVar variation 2452336 (VCV002452336.2), dbSNP rs778436682, ClinGen allele CA406369939.

ClinVar aggregate classification (germline): Uncertain significance (1 of 4 stars; one submission).

Conditions:
Inborn genetic diseases. Identifiers: MedGen C0950123, MeSH D030342.

Submission:

Ambry Genetics
Classification: Uncertain significance for Inborn genetic diseases. Last evaluated: 2022-11-04. Review status: criteria provided, single submitter. Criteria: Ambry Variant Classification Scheme 2023. Collection method: clinical testing. Allele origin: germline.
Comment: The p.P396R variant (also known as c.1187C>G), located in coding exon 12 of the ERCC2 gene, results from a C to G substitution at nucleotide position 1187. The proline at codon 396 is replaced by arginine, an amino acid with dissimilar properties. This amino acid position is conserved. In addition, the in silico prediction for this alteration is inconclusive. Since supporting evidence is limited at this time, the clinical significance of this alteration remains unclear.